The following is an entry in ClinVar:

ClinVar aggregate classification (germline): Uncertain significance (1 of 4 stars; one submission).

Conditions:
Leber congenital amaurosis 3 (LCA3). Also called: SPATA7-Related Retinitis Pigmentosa. Identifiers: MedGen C1858677, MONDO:0011415, OMIM 604232.

Allele frequency attached by ClinVar (database versions not stated): gnomAD exomes below 0.00001.
gnomAD v4.1: 1 of 1,614,038 alleles (0.000062%); highest among the groups gnomAD compares: Non-Finnish European, 0.000085%; no homozygotes.

Submission:

Labcorp Genetics (formerly Invitae), Labcorp
Classification: Uncertain significance for Leber congenital amaurosis 3. Last evaluated: 2021-09-14. Review status: criteria provided, single submitter. Criteria: Invitae Variant Classification Sherloc (09022015). Collection method: clinical testing. Allele origin: germline.
Comment: In summary, the available evidence is currently insufficient to determine the role of this variant in disease. Therefore, it has been classified as a Variant of Uncertain Significance. Algorithms developed to predict the effect of sequence changes on RNA splicing suggest that this variant may create or strengthen a splice site. Algorithms developed to predict the effect of missense changes on protein structure and function are either unavailable or do not agree on the potential impact of this missense change (SIFT: "Deleterious"; PolyPhen-2: "Probably Damaging"; Align-GVGD: "Class C0"). This variant has not been reported in the literature in individuals affected with SPATA7-related conditions. This variant is not present in population databases (ExAC no frequency). This sequence change replaces lysine with asparagine at codon 263 of the SPATA7 protein (p.Lys263Asn). The lysine residue is moderately conserved and there is a moderate physicochemical difference between lysine and asparagine.

NM_018418.5(SPATA7):c.789A>C (p.Lys263Asn)

Gene: SPATA7 (spermatogenesis associated 7; plus strand). Cytogenetic location: 14q31.3.
Variant type: single nucleotide variant.
Coding change: c.789A>C on transcript NM_018418.5 (MANE Select); coding-DNA position 789, A replaced by C.
Protein change: p.Lys263Asn; replaces lysine 263 with asparagine.
Molecular consequence: missense variant.
Genome position (GRCh38, 1-based): chr14:88,426,648, A>C. VCF-style: chr14-88426648-A-C. GRCh37 (hg19) VCF-style: chr14-88892992-A-C.
Other names: c.693A>C, p.Lys231Asn (NM_001040428.4); short protein forms K231N, K263N.
Identifiers: ClinVar variation 1441590 (VCV001441590.6), dbSNP rs2139996952, ClinGen allele CA390564721.